The following is an entry in ClinVar:

NM_001164508.2(NEB):c.18644A>T (p.Glu6215Val)

Gene: NEB (nebulin; minus strand). Cytogenetic location: 2q23.3.
Variant type: single nucleotide variant.
Coding change: c.18644A>T on transcript NM_001164508.2 (MANE Select); coding-DNA position 18644, A replaced by T.
Protein change: p.Glu6215Val; replaces glutamic acid 6215 with valine.
Molecular consequence: missense variant.
Genome position (GRCh38, 1-based): chr2:151,563,655, T>A on the plus strand (A>T on the coding strand, the complement: NEB is on the minus strand). VCF-style: chr2-151563655-T-A. GRCh37 (hg19) VCF-style: chr2-152420169-T-A.
Other names: c.18644A>T, p.Glu6215Val (NM_001164507.2, NM_001271208.2); c.13541A>T, p.Glu4514Val (NM_004543.5); short protein forms E4514V, E6215V.
Identifiers: ClinVar variation 3891817 (VCV003891817.2).

ClinVar aggregate classification (germline): Uncertain significance. Review status: criteria provided, multiple submitters, no conflicts (2 of 4 stars). 2 submissions from 2 submitters: Uncertain significance (2). Last evaluated 2025-12-23.

Conditions:
Nemaline myopathy 2 (NEM2). Also called: Nemaline myopathy 2, autosomal recessive. Identifiers: MedGen C1850569, MONDO:0009725, OMIM 256030.
Arthrogryposis multiplex congenita 6. Identifiers: MedGen C5543431, MONDO:0030281, OMIM 619334.

gnomAD v4.1: 14 of 1,613,766 alleles (0.00087%); highest among the groups gnomAD compares: Admixed American, 0.0067%; no homozygotes.

Submissions (2):

Labcorp Genetics (formerly Invitae), Labcorp
Classification: Uncertain significance for Nemaline myopathy 2. Last evaluated: 2025-12-23. Review status: criteria provided, single submitter. Criteria: Invitae Variant Classification Sherloc (09022015). Collection method: clinical testing. Allele origin: germline.
Comment: This sequence change replaces glutamic acid, which is acidic and polar, with valine, which is neutral and non-polar, at codon 6215 of the NEB protein (p.Glu6215Val). This variant is present in population databases (rs757394301, gnomAD 0.003%). This variant has not been reported in the literature in individuals affected with NEB-related conditions. ClinVar contains an entry for this variant (Variation ID: 3891817). Experimental studies and prediction algorithms are not available or were not evaluated, and the functional significance of this variant is currently unknown. In summary, the available evidence is currently insufficient to determine the role of this variant in disease. Therefore, it has been classified as a Variant of Uncertain Significance.

Department of Pathology and Laboratory Medicine, Sinai Health System
Classification: Uncertain significance for Nemaline myopathy 2; Arthrogryposis multiplex congenita 6. Last evaluated: 2021-07-30. Review status: criteria provided, single submitter. Criteria: ACMG Guidelines, 2015. Collection method: research. Allele origin: germline.